The following is an entry in ClinVar:

GRCh38/hg38 16p13.2(chr16:8752152-8979353)x1

Genes: TMEM186 (transmembrane protein 186; minus strand), PMM2 (phosphomannomutase 2; plus strand), ABAT (4-aminobutyrate aminotransferase; plus strand), CARHSP1 (calcium regulated heat stable protein 1; minus strand), CARHSP1-DT (CARHSP1 divergent transcript; plus strand) and 26 more. Cytogenetic location: 16p13.2.
Variant type: copy number loss.
Change: copy number 1 (one copy instead of two) of chr16:8,752,152-8,979,353 (227.2 kb, GRCh38 coordinates, 1-based), cytogenetic band 16p13.2.
Identifiers: ClinVar variation 58248 (VCV000058248.1).

ClinVar aggregate classification (germline): no classifications from unflagged records (0 of 4 stars; one submission).

Submission:

ISCA site 15
Classification: Uncertain significance. Last evaluated: 2011-08-12. Review status: flagged submission. Criteria: Kaminsky et al. (Genet Med. 2011). Collection method: clinical testing. Allele origin: unknown. Affected: yes. Observed: 1 variant allele.
Comment: Copy number variation identified through the course of routine clinical cytogenomic testing in postnatal populations. Clinical assertions have been curated as described in Kaminsky et al. 2011.
ClinVar note: Notes: This submission was flagged because its interpretation of this variant conflicts with the ClinGen Gene Dosage Map curation for the gene USP7.
ClinVar note: Reason: Conflict with ClinGen Gene Dosage Map